The following is an entry in ClinVar:

NM_006648.4(WNK2):c.4781G>T (p.Arg1594Leu)

Gene: WNK2 (WNK lysine deficient protein kinase 2; plus strand). Cytogenetic location: 9q22.31.
Variant type: single nucleotide variant.
Coding change: c.4781G>T on transcript NM_006648.4 (MANE Select); coding-DNA position 4781, G replaced by T.
Protein change: p.Arg1594Leu; replaces arginine 1594 with leucine.
Molecular consequence: missense variant.
Genome position (GRCh38, 1-based): chr9:93,289,535, G>T. VCF-style: chr9-93289535-G-T. GRCh37 (hg19) VCF-style: chr9-96051817-G-T.
Other names: c.4892G>T, p.Arg1631Leu (NM_001282394.3); short protein forms R1594L, R1631L.
Identifiers: ClinVar variation 3817176 (VCV003817176.1).
Genomic context (GRCh38, chr9:93,289,535, plus strand): 5'-CCCCTGTGGAGGTGGGCGACAGAGACTTCACCCTGGAGCCCCTGAGAGGGGACCAGCCCC[G>T]CTCAGAGGTCTGCGGGGGGGACCTGGCCCTGCCCCCAGTGCCTAAGGAGGCGGTCTCAGG-3'
Protein context (NP_006639.3, residues 1584-1604): TLEPLRGDQP[Arg1594Leu]SEVCGGDLAL

ClinVar aggregate classification (germline): Uncertain significance (1 of 4 stars; one submission).

Submission:

Ambry Genetics
Classification: Uncertain significance. Last evaluated: 2025-02-28. Review status: criteria provided, single submitter. Criteria: Ambry Variant Classification Scheme 2023. Collection method: clinical testing. Allele origin: germline.
Comment: The p.R1594L variant (also known as c.4781G>T), located in coding exon 19 of the WNK2 gene, results from a G to T substitution at nucleotide position 4781. The arginine at codon 1594 is replaced by leucine, an amino acid with dissimilar properties. This amino acid position is conserved. In addition, this alteration is predicted to be tolerated by in silico analysis. Based on the available evidence, the clinical significance of this variant remains unclear.